The following is an entry in ClinVar:

NM_001363711.2(DUOX2):c.163T>C (p.Cys55Arg)

Gene: DUOX2 (dual oxidase 2; minus strand). Cytogenetic location: 15q21.1.
Variant type: single nucleotide variant.
Coding change: c.163T>C on transcript NM_001363711.2 (MANE Select); coding-DNA position 163, T replaced by C.
Protein change: p.Cys55Arg; replaces cysteine 55 with arginine.
Molecular consequence: missense variant.
Genome position (GRCh38, 1-based): chr15:45,112,716, A>G on the plus strand (T>C on the coding strand, the complement: DUOX2 is on the minus strand). VCF-style: chr15-45112716-A-G. GRCh37 (hg19) VCF-style: chr15-45404914-A-G.
Other names: c.163T>C, p.Cys55Arg (NM_014080.5); short protein forms C55R.
Identifiers: ClinVar variation 887153 (VCV000887153.9), dbSNP rs775647342, ClinGen allele CA7539089.
Genomic context (GRCh38, chr15:45,112,716, plus strand): 5'-CCTCCAGAGCCTGATACACACCGTCGGCGTAATTGGCTGGTACGCGGCGCTGCAACCGGC[A>G]GCCTGCGGAGGCAGGGAGCGGGGCTCTGTCTAAGCACTCCATCCCCTAGGATCCCCCAAA-3'
Protein context (NP_001350640.1, residues 45-65): LRHHERGAVG[Cys55Arg]RLQRRVPANY

ClinVar aggregate classification (germline): Uncertain significance. Review status: criteria provided, multiple submitters, no conflicts (2 of 4 stars). 3 submissions from 3 submitters: Uncertain significance (3). Last evaluated 2026-01-02.

Conditions:
Thyroid dyshormonogenesis 6 (TDH6). Also called: HYPOTHYROIDISM, CONGENITAL, DUE TO DYSHORMONOGENESIS, 6; THYROID HORMONOGENESIS, GENETIC DEFECT IN, 6; Genetic transient congenital hypothyroidism. Identifiers: Orphanet 226316, Orphanet 95716, MedGen C1846632, MONDO:0011792, OMIM 607200.
Inborn genetic diseases. Identifiers: MedGen C0950123, MeSH D030342.

Allele frequency attached by ClinVar (database versions not stated): gnomAD exomes 0.00003 and 0.00007; ExAC 0.00004; gnomAD 0.00007; TOPMed 0.00007.

Submissions (3):

Labcorp Genetics (formerly Invitae), Labcorp
Classification: Uncertain significance. Last evaluated: 2026-01-02. Review status: criteria provided, single submitter. Criteria: Invitae Variant Classification Sherloc (09022015). Collection method: clinical testing. Allele origin: germline.
Comment: This sequence change replaces cysteine, which is neutral and slightly polar, with arginine, which is basic and polar, at codon 55 of the DUOX2 protein (p.Cys55Arg). This variant is present in population databases (rs775647342, gnomAD 0.1%). This variant has not been reported in the literature in individuals affected with DUOX2-related conditions. ClinVar contains an entry for this variant (Variation ID: 887153). An algorithm developed to predict the effect of missense changes on protein structure and function (PolyPhen-2) suggests that this variant is likely to be tolerated. In summary, the available evidence is currently insufficient to determine the role of this variant in disease. Therefore, it has been classified as a Variant of Uncertain Significance.

Ambry Genetics
Classification: Uncertain significance for Inborn genetic diseases. Last evaluated: 2025-09-25. Review status: criteria provided, single submitter. Criteria: Ambry Variant Classification Scheme 2023. Collection method: clinical testing. Allele origin: germline.

Illumina Laboratory Services, Illumina
Classification: Uncertain significance for Thyroid dyshormonogenesis 6. Last evaluated: 2018-01-12. Review status: criteria provided, single submitter. Criteria: ICSL Variant Classification Criteria 13 December 2019. Collection method: clinical testing. Allele origin: germline.